The following is an entry in ClinVar:

NM_000702.4(ATP1A2):c.1288G>A (p.Val430Ile)

Gene: ATP1A2 (ATPase Na+/K+ transporting subunit alpha 2; plus strand). Cytogenetic location: 1q23.2.
Variant type: single nucleotide variant.
Coding change: c.1288G>A on transcript NM_000702.4 (MANE Select); coding-DNA position 1288, G replaced by A.
Protein change: p.Val430Ile; replaces valine 430 with isoleucine.
Molecular consequence: missense variant.
Genome position (GRCh38, 1-based): chr1:160,129,051, G>A. VCF-style: chr1-160129051-G-A. GRCh37 (hg19) VCF-style: chr1-160098841-G-A.
Other names: p.Val430Ile; short protein forms V430I.
Identifiers: ClinVar variation 583212 (VCV000583212.10), dbSNP rs370111257, ClinGen allele CA1194436.

ClinVar aggregate classification (germline): Conflicting classifications of pathogenicity. Review status: criteria provided, conflicting classifications (1 of 4 stars). 2 submissions from 2 submitters: Uncertain significance (1); Likely benign (1). Last evaluated 2025-07-09.

Conditions:
Familial hemiplegic migraine. Identifiers: MedGen C0338484, MONDO:0000700.

Allele frequency attached by ClinVar (database versions not stated): gnomAD exomes 0.00002; gnomAD 0.00003; TOPMed 0.00003; ExAC 0.00004; ESP Exome Variant Server 0.00008; 1000 Genomes Project 30x 0.00016; 1000 Genomes Project 0.00020.
gnomAD v4.1: 26 of 1,613,124 alleles (0.0016%); highest among the groups gnomAD compares: East Asian, 0.0045%; no homozygotes.

Submissions (2):

Labcorp Genetics (formerly Invitae), Labcorp
Classification: Likely benign for Familial hemiplegic migraine. Last evaluated: 2025-07-09. Review status: criteria provided, single submitter. Criteria: Invitae Variant Classification Sherloc (09022015). Collection method: clinical testing. Allele origin: germline.

Mayo Clinic Laboratories, Mayo Clinic
Classification: Uncertain significance. Last evaluated: 2023-09-19. Review status: criteria provided, single submitter. Criteria: ACMG Guidelines, 2015. Collection method: clinical testing. Allele origin: germline. Observed: 1 variant allele.
Comment: BS2